The following is an entry in ClinVar:

ClinVar aggregate classification (germline): Uncertain significance (1 of 4 stars; one submission).

Submission:

Labcorp Genetics (formerly Invitae), Labcorp
Classification: Uncertain significance. Last evaluated: 2024-04-02. Review status: criteria provided, single submitter. Criteria: Invitae Variant Classification Sherloc (09022015). Collection method: clinical testing. Allele origin: germline.
Comment: This sequence change replaces threonine, which is neutral and polar, with serine, which is neutral and polar, at codon 989 of the NRIP1 protein (p.Thr989Ser). This variant is not present in population databases (gnomAD no frequency). This variant has not been reported in the literature in individuals affected with NRIP1-related conditions. Algorithms developed to predict the effect of missense changes on protein structure and function output the following: SIFT: "Not Available"; PolyPhen-2: "Benign"; Align-GVGD: "Not Available". The serine amino acid residue is found in multiple mammalian species, which suggests that this missense change does not adversely affect protein function. In summary, the available evidence is currently insufficient to determine the role of this variant in disease. Therefore, it has been classified as a Variant of Uncertain Significance.

NM_003489.4(NRIP1):c.2965A>T (p.Thr989Ser)

Gene: NRIP1 (nuclear receptor interacting protein 1; minus strand). Cytogenetic location: 21q11.2.
Variant type: single nucleotide variant.
Coding change: c.2965A>T on transcript NM_003489.4 (MANE Select); coding-DNA position 2965, A replaced by T.
Protein change: p.Thr989Ser; replaces threonine 989 with serine.
Molecular consequence: missense variant.
Genome position (GRCh38, 1-based): chr21:14,965,228, T>A on the plus strand (A>T on the coding strand, the complement: NRIP1 is on the minus strand). VCF-style: chr21-14965228-T-A. GRCh37 (hg19) VCF-style: chr21-16337549-T-A.
Other names: short protein forms T989S.
Identifiers: ClinVar variation 2701586 (VCV002701586.3), dbSNP rs1012607023, ClinGen allele CA317652513.
Genomic context (GRCh38, chr21:14,965,228, plus strand): 5'-GAGTTTTTACTACACCTGGGTATGAAAATGTCCTGTTATCCATGCAACTGCTGGGCTGAG[T>A]GGAACTGTACATCAGTCCATTTAAAGAAGAAATGCTAAATTCAGGTTTGCTGTTGGTCAC-3'
Protein context (NP_003480.2, residues 979-999): SSLNGLMYSS[Thr989Ser]QPSSCMDNRT